The following is an entry in ClinVar:

NM_201384.3(PLEC):c.207C>T (p.Asp69=)

Gene: PLEC (plectin; minus strand). Cytogenetic location: 8q24.3.
Variant type: single nucleotide variant.
Coding change: c.207C>T on transcript NM_201384.3 (MANE Select); coding-DNA position 207, C replaced by T.
Protein change: p.Asp69=; no amino-acid change (aspartic acid 69 retained).
Molecular consequence: synonymous variant.
Genome position (GRCh38, 1-based): chr8:143,938,208, G>A on the plus strand (C>T on the coding strand, the complement: PLEC is on the minus strand). VCF-style: chr8-143938208-G-A. GRCh37 (hg19) VCF-style: chr8-145012376-G-A.
Other names: c.288C>T, p.Asp96= (NM_000445.5); c.165C>T, p.Asp55= (NM_201378.4); c.141C>T, p.Asp47= (NM_201379.3); c.618C>T, p.Asp206= (NM_201380.4); c.111C>T, p.Asp37= (NM_201381.3); c.207C>T, p.Asp69= (NM_201382.4); c.219C>T, p.Asp73= (NM_201383.3).
Identifiers: ClinVar variation 509501 (VCV000509501.8), dbSNP rs371216758, ClinGen allele CA4928570.

ClinVar aggregate classification (germline): Likely benign. Review status: criteria provided, multiple submitters, no conflicts (2 of 4 stars). 2 submissions from 2 submitters: Likely benign (2). Last evaluated 2025-12-17.

Conditions:
Autosomal recessive limb-girdle muscular dystrophy type 2Q (LGMDR17). Also called: MUSCULAR DYSTROPHY, LIMB-GIRDLE, AUTOSOMAL RECESSIVE 17. Identifiers: Orphanet 254361, MedGen C3150989, MONDO:0013390, OMIM 613723.
Epidermolysis bullosa simplex 5C, with pyloric atresia (EBS5C). Also called: Epidermolysis bullosa simplex with pyloric atresia; PLEC-Related Epidermolysis Bullosa with Pyloric Atresia; PLEC1-Related Epidermolysis Bullosa with Pyloric Atresia. Identifiers: Orphanet 158684, MedGen C2677349, MONDO:0012807, OMIM 612138.
Epidermolysis bullosa simplex 5B, with muscular dystrophy (EBS5B). Also called: EPIDERMOLYSIS BULLOSA SIMPLEX AND LIMB-GIRDLE MUSCULAR DYSTROPHY; Epidermolysis bullosa simplex with muscular dystrophy. Identifiers: Orphanet 257, MedGen C2931072, MONDO:0009181, OMIM 226670.
Epidermolysis bullosa simplex with nail dystrophy (EBS5D). Identifiers: MedGen C4225309, MONDO:0014661, OMIM 616487.
Epidermolysis bullosa simplex, Ogna type (EBS5A). Also called: Pidermolysis bullosa simplex 5A, Ogna type; EPIDERMOLYSIS BULLOSA SIMPLEX 5A, OGNA TYPE. Identifiers: Orphanet 79401, MedGen C0432317, MONDO:0007555, OMIM 131950.

Allele frequency attached by ClinVar (database versions not stated): gnomAD 0.00005 and 0.00006; TOPMed 0.00005; gnomAD exomes 0.00009; ESP Exome Variant Server 0.00016; ExAC 0.00017.
gnomAD v4.1: 85 of 1,607,752 alleles (0.0053%); highest among the groups gnomAD compares: South Asian, 0.018%; no homozygotes.

Submissions (2):

Labcorp Genetics (formerly Invitae), Labcorp
Classification: Likely benign for Autosomal recessive limb-girdle muscular dystrophy type 2Q; Epidermolysis bullosa simplex, Ogna type; Epidermolysis bullosa simplex with nail dystrophy; Epidermolysis bullosa simplex 5C, with pyloric atresia; Epidermolysis bullosa simplex 5B, with muscular dystrophy. Last evaluated: 2025-12-17. Review status: criteria provided, single submitter. Criteria: Invitae Variant Classification Sherloc (09022015). Collection method: clinical testing. Allele origin: germline.

GeneDx
Classification: Likely benign. Last evaluated: 2017-05-08. Review status: criteria provided, single submitter. Criteria: GeneDx Variant Classification (06012015). Collection method: clinical testing. Allele origin: germline. Affected: yes.
Comment: This variant is considered likely benign or benign based on one or more of the following criteria: it is a conservative change, it occurs at a poorly conserved position in the protein, it is predicted to be benign by multiple in silico algorithms, and/or has population frequency not consistent with disease.